The following is an entry in ClinVar:

NM_001242896.3(DEPDC5):c.3635A>C (p.His1212Pro)

Gene: DEPDC5 (DEP domain containing 5, GATOR1 subcomplex subunit; plus strand). Cytogenetic location: 22q12.3.
Variant type: single nucleotide variant.
Coding change: c.3635A>C on transcript NM_001242896.3 (MANE Select); coding-DNA position 3635, A replaced by C.
Protein change: p.His1212Pro; replaces histidine 1212 with proline.
Molecular consequence: missense variant. On other transcripts: non-coding transcript variant (4).
Genome position (GRCh38, 1-based): chr22:31,874,344, A>C. VCF-style: chr22-31874344-A-C. GRCh37 (hg19) VCF-style: chr22-32270330-A-C.
Other names: c.3608A>C, p.His1203Pro (NM_001136029.4); c.3335A>C, p.His1112Pro (NM_001242897.2); c.3569A>C, p.His1190Pro (NM_001363852.2, NM_001364320.2); c.3401A>C, p.His1134Pro (NM_001363854.2, NM_001364319.2); c.3635A>C, p.His1212Pro (NM_001364318.2); c.3551A>C, p.His1184Pro (NM_001369901.1, NM_001369902.1); c.3542A>C, p.His1181Pro (NM_001369903.1, NM_014662.6); short protein forms H1112P, H1134P, H1181P, H1184P, H1190P, H1203P, H1212P.
Identifiers: ClinVar variation 3620068 (VCV003620068.2).

ClinVar aggregate classification (germline): Uncertain significance (1 of 4 stars; one submission).

Conditions:
Familial focal epilepsy with variable foci (FPEVF). Identifiers: Orphanet 98820, MedGen C1858477, MONDO:0020310.

gnomAD v4.1: 4 of 1,611,550 alleles (0.00025%); highest among the groups gnomAD compares: Non-Finnish European, 0.000085%; no homozygotes.

Submission:

Labcorp Genetics (formerly Invitae), Labcorp
Classification: Uncertain significance for Familial focal epilepsy with variable foci. Last evaluated: 2024-03-15. Review status: criteria provided, single submitter. Criteria: Invitae Variant Classification Sherloc (09022015). Collection method: clinical testing. Allele origin: germline.
Comment: This sequence change replaces histidine, which is basic and polar, with proline, which is neutral and non-polar, at codon 1212 of the DEPDC5 protein (p.His1212Pro). This variant is present in population databases (rs760828155, gnomAD 0.005%). This variant has not been reported in the literature in individuals affected with DEPDC5-related conditions. Experimental studies and prediction algorithms are not available or were not evaluated, and the functional significance of this variant is currently unknown. In summary, the available evidence is currently insufficient to determine the role of this variant in disease. Therefore, it has been classified as a Variant of Uncertain Significance.